The following is an entry in ClinVar:

NM_016069.11(PAM16):c.340C>G (p.Gln114Glu)

Genes: CORO7-PAM16 (CORO7-PAM16 readthrough; minus strand), PAM16 (presequence translocase associated motor 16; minus strand). Cytogenetic location: 16p13.3.
Variant type: single nucleotide variant.
Coding change: c.340C>G on transcript NM_016069.11 (MANE Select); coding-DNA position 340, C replaced by G.
Protein change: p.Gln114Glu; replaces glutamine 114 with glutamic acid.
Molecular consequence: missense variant.
Genome position (GRCh38, 1-based): chr16:4,340,357, G>C on the plus strand (C>G on the coding strand, the complement: PAM16 is on the minus strand). VCF-style: chr16-4340357-G-C. GRCh37 (hg19) VCF-style: chr16-4390358-G-C.
Other names: c.3109C>G, p.Gln1037Glu (NM_001201479.2); short protein forms Q114E, Q1037E.
Identifiers: ClinVar variation 1423997 (VCV001423997.8), dbSNP rs11989, ClinGen allele CA277081669.
Genomic context (GRCh38, chr16:4,340,357, plus strand): 5'-GTGGGCGGGGGGAGCCGAGCAGTCACGTATGGGGCATCTGCCCTTTTTCTCTGTCCTCCT[G>C]GGCCTGGATTTTGAGTTCCTCATCCAGGCGCTCCTTTGCGCGGACCACCTAGTGGGTCAC-3'
Protein context (NP_057153.8, residues 104-124): RLDEELKIQA[Gln114Glu]EDREKGQMPH

ClinVar aggregate classification (germline): Uncertain significance (1 of 4 stars; one submission).

gnomAD v4.1: 4 of 1,612,804 alleles (0.00025%); highest among the groups gnomAD compares: South Asian, 0.0011%; no homozygotes.

Submission:

Labcorp Genetics (formerly Invitae), Labcorp
Classification: Uncertain significance. Last evaluated: 2021-04-24. Review status: criteria provided, single submitter. Criteria: Invitae Variant Classification Sherloc (09022015). Collection method: clinical testing. Allele origin: germline.
Comment: In summary, the available evidence is currently insufficient to determine the role of this variant in disease. Therefore, it has been classified as a Variant of Uncertain Significance. Algorithms developed to predict the effect of missense changes on protein structure and function (SIFT, PolyPhen-2, Align-GVGD) all suggest that this variant is likely to be tolerated, but these predictions have not been confirmed by published functional studies and their clinical significance is uncertain. This variant has not been reported in the literature in individuals with PAM16-related conditions. This variant is not present in population databases (ExAC no frequency). This sequence change replaces glutamine with glutamic acid at codon 114 of the PAM16 protein (p.Gln114Glu). The glutamine residue is moderately conserved and there is a small physicochemical difference between glutamine and glutamic acid.